The following is an entry in ClinVar:

ClinVar aggregate classification (germline): Uncertain significance. Review status: criteria provided, multiple submitters, no conflicts (2 of 4 stars). 3 submissions from 3 submitters: Uncertain significance (3). Last evaluated 2025-06-20.

Conditions:
Hereditary breast ovarian cancer syndrome. Also called: Hereditary breast and ovarian cancer; Hereditary breast and ovarian cancer syndrome (HBOC); BRCA1- and BRCA2-Associated Hereditary Breast and Ovarian Cancer; Hereditary breast and ovarian cancer syndrome; Hereditary breast and/or ovarian cancer syndrome; Breast and ovarian cancer. Identifiers: Orphanet 145, MedGen C0677776, MeSH D061325, MONDO:0003582. Disease mechanism: loss of function.
Hereditary cancer-predisposing syndrome. Also called: Neoplastic Syndromes, Hereditary; Tumor predisposition; Hereditary Cancer Syndrome; Hereditary neoplastic syndrome. Identifiers: Orphanet 140162, MedGen C0027672, MeSH D009386, MONDO:0015356.

Submissions (3):

Labcorp Genetics (formerly Invitae), Labcorp
Classification: Uncertain significance for Hereditary breast ovarian cancer syndrome. Last evaluated: 2025-06-20. Review status: criteria provided, single submitter. Criteria: Invitae Variant Classification Sherloc (09022015). Collection method: clinical testing. Allele origin: germline.
Comment: This variant, c.6817_6819del, results in the deletion of 1 amino acid(s) of the BRCA2 protein (p.Arg2273del), but otherwise preserves the integrity of the reading frame. This variant is present in population databases (rs774306208, gnomAD 0.006%). This variant has been observed in individual(s) with breast and/or ovarian cancer and/or kidney cancer (PMID: 29684080, 30725392). ClinVar contains an entry for this variant (Variation ID: 638980). Experimental studies and prediction algorithms are not available or were not evaluated, and the functional significance of this variant is currently unknown. In summary, the available evidence is currently insufficient to determine the role of this variant in disease. Therefore, it has been classified as a Variant of Uncertain Significance.

Ambry Genetics
Classification: Uncertain significance for Hereditary cancer-predisposing syndrome. Last evaluated: 2022-09-20. Review status: criteria provided, single submitter. Criteria: Ambry Variant Classification Scheme 2023. Collection method: clinical testing. Allele origin: germline.
Comment: The c.6817_6819delAGA variant (also known as p.R2273del), located in coding exon 10 of the BRCA2 gene, results from an in-frame deletion of AGA at nucleotide positions 6817 to 6819. This results in the deletion of the arginine residue at codon 2273. In a study of whole exome sequencing in patients with features of Cowden syndrome (CS) or Bannayan-Riley-Ruvalcaba syndrome (BRRS) and negative PTEN testing, this alteration was identified in 0/87 patients with CS or BRRS and 1/3476 patients from The Cancer Genome Atlas (TCGA) (Yehia L et al. PLoS Genet., 2018 04;14:e1007352). This alteration has been reported with a carrier frequency of 0.00013 in 7636 unselected prostate cancer patients and 0.00 in 12366 male controls of Japanese ancestry (Momozawa Y et al. J Natl Cancer Inst. 2020 04;112(4):369-376). Another study reported this variant in 1/423 breast and ovarian cancer patients who underwent BRCA1/2 testing from 2010 to 2017 (So MK et al. Breast Cancer. 2019 Jul;26(4):510-519). This amino acid position is well conserved in available vertebrate species. In addition, the in silico prediction for this alteration is inconclusive (Choi Y et al. PLoS ONE. 2012; 7(10):e46688). Since supporting evidence is limited at this time, the clinical significance of this alteration remains unclear.

Color Diagnostics, LLC DBA Color Health
Classification: Uncertain significance for Hereditary cancer-predisposing syndrome. Last evaluated: 2019-02-15. Review status: criteria provided, single submitter. Criteria: ACMG Guidelines, 2015. Collection method: clinical testing. Allele origin: germline.

Literature cited by the submitters: PubMed 29684080 (cited by Labcorp Genetics (formerly Invitae), Labcorp and Ambry Genetics); PubMed 30725392 (cited by Labcorp Genetics (formerly Invitae), Labcorp and Ambry Genetics); PubMed 31214711 (cited by Ambry Genetics).

NM_000059.4(BRCA2):c.6814AGA[1] (p.Arg2273del)

Gene: BRCA2 (BRCA2 DNA repair associated; plus strand). Cytogenetic location: 13q13.1.
Variant type: Microsatellite.
Coding change: c.6814AGA[1] on transcript NM_000059.4 (MANE Select); one copy of the 3-base unit AGA starting at c.6814; the reference has two copies in a row; one copy, 3 bases deleted.
Protein change: p.Arg2273del; deletes arginine 2273.
Molecular consequence: inframe deletion.
Genome position (GRCh38, 1-based): chr13:32,341,172-32,341,174, AGA deleted; deleting any 3 consecutive bases within chr13:32,341,168-32,341,174 gives the same sequence; the position shown is the placement nearest the transcript's 3' end. VCF-style (leftmost placement, unchanged base first): chr13-32341167-AAAG-A. GRCh37 (hg19) VCF-style: chr13-32915304-AAAG-A.
Other names: c.6817_6819delAGA (NM_000059.3); short protein forms R2273del.
Identifiers: ClinVar variation 638980 (VCV000638980.15), dbSNP rs774306208, ClinGen allele CA6940986.